The following is an entry in ClinVar:

NM_006517.5(SLC16A2):c.1204A>T (p.Met402Leu)

Gene: SLC16A2 (solute carrier family 16 member 2; plus strand). Cytogenetic location: Xq13.2.
Variant type: single nucleotide variant.
Coding change: c.1204A>T on transcript NM_006517.5 (MANE Select); coding-DNA position 1204, A replaced by T.
Protein change: p.Met402Leu; replaces methionine 402 with leucine.
Molecular consequence: missense variant.
Genome position (GRCh38, 1-based): chrX:74,529,246, A>T. VCF-style: chrX-74529246-A-T. GRCh37 (hg19) VCF-style: chrX-73749081-A-T.
Other names: c.1426A>T (NM_006517.3); short protein forms M402L.
Identifiers: ClinVar variation 1202449 (VCV001202449.11), dbSNP rs773263889, ClinGen allele CA10454507.

ClinVar aggregate classification (germline): Conflicting classifications of pathogenicity. Review status: criteria provided, conflicting classifications (1 of 4 stars). 4 submissions from 4 submitters: Likely pathogenic (1); Uncertain significance (3). Last evaluated 2024-03-05.

Conditions:
Inborn genetic diseases. Identifiers: MedGen C0950123, MeSH D030342.
Spastic paraplegia. Identifiers: MedGen C0037772, HP:0001258.
Allan-Herndon-Dudley syndrome (AHDS). Also called: MENTAL RETARDATION AND MUSCULAR ATROPHY; T3 RESISTANCE; TRIIODOTHYRONINE RESISTANCE; ALLAN-HERNDON SYNDROME; Passos-Bueno syndrome. Identifiers: Orphanet 59, MedGen C0795889, MONDO:0010354, OMIM 300523.

Allele frequency attached by ClinVar (database versions not stated): ExAC 0.00001; gnomAD exomes 0.00001; gnomAD 0.00003; TOPMed 0.00003.
gnomAD v4.1: 6 of 1,210,617 alleles (0.0005%); highest among the groups gnomAD compares: Admixed American, 0.0022%; no homozygotes.

Submissions (4):

Labcorp Genetics (formerly Invitae), Labcorp
Classification: Uncertain significance for Spastic paraplegia. Last evaluated: 2024-03-05. Review status: criteria provided, single submitter. Criteria: Invitae Variant Classification Sherloc (09022015). Collection method: clinical testing. Allele origin: germline.
Comment: This sequence change replaces methionine, which is neutral and non-polar, with leucine, which is neutral and non-polar, at codon 402 of the SLC16A2 protein (p.Met402Leu). This variant is present in population databases (rs773263889, gnomAD 0.001%). This variant has not been reported in the literature in individuals affected with SLC16A2-related conditions. ClinVar contains an entry for this variant (Variation ID: 1202449). Advanced modeling of protein sequence and biophysical properties (such as structural, functional, and spatial information, amino acid conservation, physicochemical variation, residue mobility, and thermodynamic stability) has been performed at Invitae for this missense variant, however the output from this modeling did not meet the statistical confidence thresholds required to predict the impact of this variant on SLC16A2 protein function. In summary, the available evidence is currently insufficient to determine the role of this variant in disease. Therefore, it has been classified as a Variant of Uncertain Significance.

Ambry Genetics
Classification: Uncertain significance for Inborn genetic diseases. Last evaluated: 2023-08-20. Review status: criteria provided, single submitter. Criteria: Ambry Variant Classification Scheme 2023. Collection method: clinical testing. Allele origin: germline.

Department of Pathology and Laboratory Medicine, Sinai Health System
Classification: Uncertain significance for Allan-Herndon-Dudley syndrome. Last evaluated: 2022-11-30. Review status: criteria provided, single submitter. Criteria: ACMG Guidelines, 2015. Collection method: research. Allele origin: germline.

GeneDx
Classification: Likely pathogenic. Last evaluated: 2020-08-06. Review status: criteria provided, single submitter. Criteria: GeneDx Variant Classification Process June 2021. Collection method: clinical testing. Allele origin: germline. Affected: yes.
Comment: Not observed at a significant frequency in large population cohorts (Lek et al., 2016); In silico analysis, which includes protein predictors and evolutionary conservation, supports that this variant does not alter protein structure/function; Has not been previously published as pathogenic or benign to our knowledge